The following is an entry in ClinVar:

ClinVar aggregate classification (germline): Uncertain significance. Review status: criteria provided, multiple submitters, no conflicts (2 of 4 stars). 2 submissions from 2 submitters: Uncertain significance (2). Last evaluated 2025-09-26.

Allele frequency attached by ClinVar (database versions not stated): ExAC 0.00001; gnomAD exomes 0.00001; TOPMed 0.00001.
gnomAD v4.1: 16 of 1,603,560 alleles (0.001%); highest among the groups gnomAD compares: Non-Finnish European, 0.0013%; no homozygotes.

Submissions (2):

Ambry Genetics
Classification: Uncertain significance. Last evaluated: 2025-09-26. Review status: criteria provided, single submitter. Criteria: Ambry Variant Classification Scheme 2023. Collection method: clinical testing. Allele origin: germline.

Labcorp Genetics (formerly Invitae), Labcorp
Classification: Uncertain significance. Last evaluated: 2024-10-12. Review status: criteria provided, single submitter. Criteria: Invitae Variant Classification Sherloc (09022015). Collection method: clinical testing. Allele origin: germline.
Comment: This sequence change replaces arginine, which is basic and polar, with tryptophan, which is neutral and slightly polar, at codon 240 of the GEN1 protein (p.Arg240Trp). This variant is present in population databases (rs751324164, gnomAD 0.002%). This variant has not been reported in the literature in individuals affected with GEN1-related conditions. An algorithm developed to predict the effect of missense changes on protein structure and function (PolyPhen-2) suggests that this variant is likely to be disruptive. Algorithms developed to predict the effect of sequence changes on RNA splicing suggest that this variant may disrupt the consensus splice site. In summary, the available evidence is currently insufficient to determine the role of this variant in disease. Therefore, it has been classified as a Variant of Uncertain Significance.

NM_001130009.3(GEN1):c.718C>T (p.Arg240Trp)

Gene: GEN1 (GEN1 structure-specific endonuclease; plus strand). Cytogenetic location: 2p24.2.
Variant type: single nucleotide variant.
Coding change: c.718C>T on transcript NM_001130009.3 (MANE Select); coding-DNA position 718, C replaced by T.
Protein change: p.Arg240Trp; replaces arginine 240 with tryptophan.
Molecular consequence: missense variant.
Genome position (GRCh38, 1-based): chr2:17,771,203, C>T. VCF-style: chr2-17771203-C-T. GRCh37 (hg19) VCF-style: chr2-17952470-C-T.
Other names: c.718C>T (NM_001130009.1); c.718C>T, p.Arg240Trp (NM_182625.5); short protein forms R240W.
Identifiers: ClinVar variation 2884696 (VCV002884696.5), dbSNP rs751324164, ClinGen allele CA1540540.